The following is an entry in ClinVar:

NM_206538.4(EMC10):c.15C>T (p.Ser5=)

Genes: EMC10 (ER membrane protein complex subunit 10; plus strand), GARIN5A (golgi associated RAB2 interactor 5A; minus strand). Cytogenetic location: 19q13.33.
Variant type: single nucleotide variant.
Coding change: c.15C>T on transcript NM_206538.4 (MANE Select); coding-DNA position 15, C replaced by T.
Protein change: p.Ser5=; no amino-acid change (serine 5 retained).
Molecular consequence: synonymous variant. On other transcripts: 5 prime UTR variant (2).
Genome position (GRCh38, 1-based): chr19:50,476,559, C>T. VCF-style: chr19-50476559-C-T. GRCh37 (hg19) VCF-style: chr19-50979816-C-T.
Other names: c.-171G>A (NM_001308429.2, NM_138411.3); c.15C>T, p.Ser5= (NM_175063.6).
Identifiers: ClinVar variation 4822658 (VCV004822658.4).

ClinVar aggregate classification (germline): Likely benign (1 of 4 stars; one submission).

gnomAD v4.1: 12 of 1,574,486 alleles (0.00076%); highest among the groups gnomAD compares: Admixed American, 0.0053%; no homozygotes.

Submission:

CeGaT Center for Human Genetics Tuebingen
Classification: Likely benign. Last evaluated: 2026-02-01. Review status: criteria provided, single submitter. Criteria: CeGaT Center For Human Genetics Tuebingen Variant Classification Criteria Version 2. Collection method: clinical testing. Allele origin: germline. Affected: yes. Observed: 1 variant allele.
Comment: EMC10: BP4, BP7